The following is an entry in ClinVar:

NM_212533.3(ABCA2):c.96del (p.Phe33fs)

Genes: ABCA2 (ATP binding cassette subfamily A member 2; minus strand), LINC02908 (long independently transcribed non-coding RNA 2908; plus strand). Cytogenetic location: 9q34.3.
Variant type: Deletion.
Coding change: c.96del on transcript NM_212533.3; coding-DNA position 96, one base deleted (C; older notation c.96delC).
Protein change: p.Phe33fs; shifts the reading frame from phenylalanine 33.
Molecular consequence: frameshift variant.
Genome position (GRCh38, 1-based): chr9:137,028,777, G deleted on the plus strand (C on the coding strand, the reverse complement: ABCA2 is on the minus strand); the first of 6 consecutive G bases (chr9:137,028,777-137,028,782); deleting any one gives the same sequence. VCF-style (leftmost placement, unchanged base first): chr9-137028776-AG-A. GRCh37 (hg19) VCF-style: chr9-139923228-AG-A.
Other names: short protein forms F33fs.
Identifiers: ClinVar variation 1309927 (VCV001309927.4), dbSNP rs749054833, ClinGen allele CA5356051.

ClinVar aggregate classification (germline): Uncertain significance (1 of 4 stars; one submission).

Submission:

GeneDx
Classification: Uncertain significance. Last evaluated: 2019-11-01. Review status: criteria provided, single submitter. Criteria: GeneDx Variant Classification Process June 2021. Collection method: clinical testing. Allele origin: germline. Affected: yes.
Comment: Variants in candidate genes are classified as variants of uncertain significance in accordance with ACMG guidelines (Richards et al., 2015); Has not been previously published as pathogenic or benign to our knowledge; Frameshift variant predicted to result in protein truncation or nonsense mediated decay in a gene for which loss-of-function is not a known mechanism of disease; No data available from control populations to assess the frequency of this variant